The following is an entry in ClinVar:

ClinVar aggregate classification (germline): Uncertain significance (1 of 4 stars; one submission).

Allele frequency attached by ClinVar (database versions not stated): gnomAD exomes 0.00001; TOPMed 0.00001; gnomAD 0.00002.
gnomAD v4.1: 25 of 1,613,344 alleles (0.0015%); highest among the groups gnomAD compares: Non-Finnish European, 0.002%; no homozygotes.

Submission:

GeneDx
Classification: Uncertain significance. Last evaluated: 2022-12-30. Review status: criteria provided, single submitter. Criteria: GeneDx Variant Classification Process June 2021. Collection method: clinical testing. Allele origin: germline. Affected: yes.
Comment: Not observed at significant frequency in large population cohorts (gnomAD); In silico analysis supports that this missense variant has a deleterious effect on protein structure/function; Has not been previously published as pathogenic or benign to our knowledge

NM_004247.4(EFTUD2):c.956C>T (p.Thr319Met)

Gene: EFTUD2 (elongation factor Tu GTP binding domain containing 2; minus strand). Cytogenetic location: 17q21.31.
Variant type: single nucleotide variant.
Coding change: c.956C>T on transcript NM_004247.4 (MANE Select); coding-DNA position 956, C replaced by T.
Protein change: p.Thr319Met; replaces threonine 319 with methionine.
Molecular consequence: missense variant.
Genome position (GRCh38, 1-based): chr17:44,872,484, G>A on the plus strand (C>T on the coding strand, the complement: EFTUD2 is on the minus strand). VCF-style: chr17-44872484-G-A. GRCh37 (hg19) VCF-style: chr17-42949852-G-A.
Other names: c.851C>T, p.Thr284Met (NM_001142605.2); c.956C>T, p.Thr319Met (NM_001258353.2); c.926C>T, p.Thr309Met (NM_001258354.2); short protein forms T284M, T309M, T319M.
Identifiers: ClinVar variation 2507335 (VCV002507335.1), dbSNP rs1467291243, ClinGen allele CA399818063.
Genomic context (GRCh38, chr17:44,872,484, plus strand): 5'-CAGACTGCCAGCCAGCGCTTACCAAAGGTGTCGGCATAGATCTTGGCAAAGGAGCCCAGC[G>A]TGAAGCAGATGCTGTACTGGGAGCTGGAGAAGCAGACGTTACCCAGGAGTGGGGAAAGGA-3'
Protein context (NP_004238.3, residues 309-329): FSSSQYSICF[Thr319Met]LGSFAKIYAD